The following is an entry in ClinVar:

NM_001384140.1(PCDH15):c.1097A>G (p.Lys366Arg)

Gene: PCDH15 (protocadherin related 15; minus strand). Cytogenetic location: 10q21.1.
Variant type: single nucleotide variant.
Coding change: c.1097A>G on transcript NM_001384140.1 (MANE Select); coding-DNA position 1097, A replaced by G.
Protein change: p.Lys366Arg; replaces lysine 366 with arginine.
Molecular consequence: missense variant.
Genome position (GRCh38, 1-based): chr10:54,213,937, T>C on the plus strand (A>G on the coding strand, the complement: PCDH15 is on the minus strand). VCF-style: chr10-54213937-T-C. GRCh37 (hg19) VCF-style: chr10-55973697-T-C.
Other names: c.1112A>G, p.Lys371Arg (NM_001142763.2, NM_001142769.4, NM_001142771.2); c.1031A>G, p.Lys344Arg (NM_001142773.2, NM_001354404.2, NM_001142768.2); c.1097A>G, p.Lys366Arg (NM_001354411.2, NM_001354420.2, NM_001354429.2 and 7 more transcripts); c.986A>G, p.Lys329Arg (NM_001142767.2); short protein forms K344R, K329R, K366R, K371R.
Identifiers: ClinVar variation 4088168 (VCV004088168.2).

ClinVar aggregate classification (germline): Uncertain significance (1 of 4 stars; one submission).

gnomAD v4.1: 1 of 1,562,142 alleles (0.000064%); highest among the groups gnomAD compares: Non-Finnish European, 0.000088%; no homozygotes.

Submission:

GeneDx
Classification: Uncertain significance. Last evaluated: 2026-02-25. Review status: criteria provided, single submitter. Criteria: GeneDx Variant Classification Process June 2021. Collection method: clinical testing. Allele origin: germline.
Comment: Not observed at significant frequency in large population cohorts (gnomAD); In silico analysis supports a deleterious effect on splicing; In silico analysis supports that this missense variant has a deleterious effect on protein structure/function; Has not been previously published as pathogenic or benign to our knowledge